The following is an entry in ClinVar:

NM_001382567.1(STIM1):c.1580A>G (p.Gln527Arg)

Gene: STIM1 (stromal interaction molecule 1; plus strand). Cytogenetic location: 11p15.4.
Variant type: single nucleotide variant.
Coding change: c.1580A>G on transcript NM_001382567.1 (MANE Select); coding-DNA position 1580, A replaced by G.
Protein change: p.Gln527Arg; replaces glutamine 527 with arginine.
Molecular consequence: missense variant. On other transcripts: non-coding transcript variant (3).
Genome position (GRCh38, 1-based): chr11:4,086,489, A>G. VCF-style: chr11-4086489-A-G. GRCh37 (hg19) VCF-style: chr11-4107719-A-G.
Other names: c.998A>G, p.Gln333Arg (NM_001382581.1, NM_001382580.1); c.1487A>G, p.Gln496Arg (NM_003156.4, NM_001277961.3, NM_001277962.2); c.1265A>G, p.Gln422Arg (NM_001382566.1, NM_001382575.1, NM_001382576.1 and 3 more transcripts); c.1508A>G, p.Gln503Arg (NM_001382568.1); c.1352A>G, p.Gln451Arg (NM_001382569.1); c.1259A>G, p.Gln420Arg (NM_001382570.1); c.1007A>G, p.Gln336Arg (NM_001382571.1); short protein forms Q527R, Q336R, Q451R, Q496R, Q503R, Q420R, Q422R, Q333R.
Identifiers: ClinVar variation 2939128 (VCV002939128.3), dbSNP rs2498502359, ClinGen allele CA379194796.

ClinVar aggregate classification (germline): Uncertain significance (1 of 4 stars; one submission).

Conditions:
Myopathy with tubular aggregates (TAM). Also called: Tubular Aggregate Myopathy. Identifiers: Orphanet 2593, MedGen C0410207, MONDO:0008051.
Stormorken syndrome (STRMK). Also called: THROMBOCYTOPATHY, ASPLENIA, AND MIOSIS. Identifiers: Orphanet 3204, MedGen C1861451, MONDO:0008497, OMIM 185070.
Combined immunodeficiency due to STIM1 deficiency. Also called: STIM1 DEFICIENCY; IMMUNODEFICIENCY 10. Identifiers: Orphanet 169090, Orphanet 317430, MedGen C2748557, MONDO:0013008, OMIM 612783.

Allele frequency attached by ClinVar (database versions not stated): gnomAD exomes below 0.00001.
gnomAD v4.1: 2 of 1,614,150 alleles (0.00012%); highest among the groups gnomAD compares: Non-Finnish European, 0.00017%; no homozygotes.

Submission:

Labcorp Genetics (formerly Invitae), Labcorp
Classification: Uncertain significance for Myopathy with tubular aggregates; Combined immunodeficiency due to STIM1 deficiency; Stormorken syndrome. Last evaluated: 2025-01-29. Review status: criteria provided, single submitter. Criteria: Invitae Variant Classification Sherloc (09022015). Collection method: clinical testing. Allele origin: germline.
Comment: This sequence change replaces glutamine, which is neutral and polar, with arginine, which is basic and polar, at codon 496 of the STIM1 protein (p.Gln496Arg). This variant is not present in population databases (gnomAD no frequency). This variant has not been reported in the literature in individuals affected with STIM1-related conditions. ClinVar contains an entry for this variant (Variation ID: 2939128). Invitae Evidence Modeling of protein sequence and biophysical properties (such as structural, functional, and spatial information, amino acid conservation, physicochemical variation, residue mobility, and thermodynamic stability) indicates that this missense variant is not expected to disrupt STIM1 protein function with a negative predictive value of 95%. In summary, the available evidence is currently insufficient to determine the role of this variant in disease. Therefore, it has been classified as a Variant of Uncertain Significance.